The following is an entry in ClinVar:

ClinVar aggregate classification (germline): Likely pathogenic (1 of 4 stars; one submission).

Conditions:
Generalized epilepsy with febrile seizures plus, type 1 (GEFSP1). Also called: GEFS+, TYPE 1. Identifiers: Orphanet 36387, MedGen C1858672, MONDO:0011416, OMIM 604233.

Submission:

Institute of Human Genetics, University of Leipzig Medical Center
Classification: Likely pathogenic for Generalized epilepsy with febrile seizures plus, type 1. Last evaluated: 2025-03-18. Review status: criteria provided, single submitter. Criteria: ACMG Guidelines, 2015. Collection method: clinical testing. Allele origin: unknown. Inheritance: Autosomal dominant inheritance. Affected: yes.
Comment: Criteria applied: PP3_STR,PM2,PM5

NM_001165963.4(SCN1A):c.3899C>A (p.Thr1300Lys)

Genes: SCN1A (sodium voltage-gated channel alpha subunit 1; minus strand), LOC102724058 (uncharacterized LOC102724058; plus strand). Cytogenetic location: 2q24.3.
Variant type: single nucleotide variant.
Coding change: c.3899C>A on transcript NM_001165963.4 (MANE Select); coding-DNA position 3899, C replaced by A.
Protein change: p.Thr1300Lys; replaces threonine 1300 with lysine.
Molecular consequence: missense variant. On other transcripts: non-coding transcript variant (1).
Genome position (GRCh38, 1-based): chr2:166,009,822, G>T on the plus strand (C>A on the coding strand, the complement: SCN1A is on the minus strand). VCF-style: chr2-166009822-G-T. GRCh37 (hg19) VCF-style: chr2-166866332-G-T.
Other names: c.3815C>A, p.Thr1272Lys (NM_001165964.3, NM_001353957.2, NM_001353958.2); c.3899C>A, p.Thr1300Lys (NM_001202435.3, NM_001353948.2); c.3866C>A, p.Thr1289Lys (NM_001353949.2, NM_001353950.2, NM_001353951.2 and 2 more transcripts); c.3863C>A, p.Thr1288Lys (NM_001353954.2, NM_001353955.2); c.3812C>A, p.Thr1271Lys (NM_001353960.2); c.1457C>A, p.Thr486Lys (NM_001353961.2); short protein forms T1271K, T1272K, T1288K, T1289K, T1300K, T486K.
Identifiers: ClinVar variation 3778727 (VCV003778727.1).